The following is an entry in ClinVar:

ClinVar aggregate classification (germline): Uncertain significance (1 of 4 stars; one submission).

Conditions:
Aortic aneurysm, familial thoracic 7 (AAT7). Also called: AORTIC DISSECTION, FAMILIAL, WITH OR WITHOUT AORTIC ANEURYSM. Identifiers: MedGen C3151077, MONDO:0013418, OMIM 613780.

Allele frequency attached by ClinVar (database versions not stated): gnomAD exomes below 0.00001.
gnomAD v4.1: 2 of 1,613,598 alleles (0.00012%); highest among the groups gnomAD compares: Admixed American, 0.0017%; no homozygotes.

Submission:

Labcorp Genetics (formerly Invitae), Labcorp
Classification: Uncertain significance for Aortic aneurysm, familial thoracic 7. Last evaluated: 2022-06-12. Review status: criteria provided, single submitter. Criteria: Invitae Variant Classification Sherloc (09022015). Collection method: clinical testing. Allele origin: germline.
Comment: In summary, the available evidence is currently insufficient to determine the role of this variant in disease. Therefore, it has been classified as a Variant of Uncertain Significance. Advanced modeling of protein sequence and biophysical properties (such as structural, functional, and spatial information, amino acid conservation, physicochemical variation, residue mobility, and thermodynamic stability) performed at Invitae indicates that this missense variant is not expected to disrupt MYLK protein function. This variant has not been reported in the literature in individuals affected with MYLK-related conditions. This variant is present in population databases (no rsID available, gnomAD 0.003%). This sequence change replaces proline, which is neutral and non-polar, with alanine, which is neutral and non-polar, at codon 1037 of the MYLK protein (p.Pro1037Ala).

NM_053025.4(MYLK):c.3109C>G (p.Pro1037Ala)

Gene: MYLK (myosin light chain kinase; minus strand). Cytogenetic location: 3q21.1.
Variant type: single nucleotide variant.
Coding change: c.3109C>G on transcript NM_053025.4 (MANE Select); coding-DNA position 3109, C replaced by G.
Protein change: p.Pro1037Ala; replaces proline 1037 with alanine.
Molecular consequence: missense variant.
Genome position (GRCh38, 1-based): chr3:123,700,359, G>C on the plus strand (C>G on the coding strand, the complement: MYLK is on the minus strand). VCF-style: chr3-123700359-G-C. GRCh37 (hg19) VCF-style: chr3-123419206-G-C.
Other names: c.2581C>G, p.Pro861Ala (NM_001321309.2); c.2902C>G, p.Pro968Ala (NM_053026.4, NM_053028.4); c.3109C>G, p.Pro1037Ala (NM_053027.4); short protein forms P861A, P1037A, P968A.
Identifiers: ClinVar variation 2051384 (VCV002051384.4), dbSNP rs1156763957, ClinGen allele CA354230041.